The following is an entry in ClinVar:

ClinVar aggregate classification (germline): Likely benign. Review status: criteria provided, multiple submitters, no conflicts (2 of 4 stars). 2 submissions from 2 submitters: Likely benign (2). Last evaluated 2025-03-24.

Allele frequency attached by ClinVar (database versions not stated): gnomAD exomes below 0.00001.
gnomAD v4.1: 5 of 1,593,512 alleles (0.00031%); highest among the groups gnomAD compares: Middle Eastern, 0.017%; no homozygotes.

Submissions (2):

Labcorp Genetics (formerly Invitae), Labcorp
Classification: Likely benign. Last evaluated: 2025-03-24. Review status: criteria provided, single submitter. Criteria: Invitae Variant Classification Sherloc (09022015). Collection method: clinical testing. Allele origin: germline.

CeGaT Center for Human Genetics Tuebingen
Classification: Likely benign. Last evaluated: 2024-12-01. Review status: criteria provided, single submitter. Criteria: CeGaT Center For Human Genetics Tuebingen Variant Classification Criteria Version 2. Collection method: clinical testing. Allele origin: germline. Affected: yes. Observed: 1 variant allele.
Comment: PLEKHG2: BP4, BP7

NM_022835.3(PLEKHG2):c.300C>G (p.Pro100=)

Gene: PLEKHG2 (pleckstrin homology and RhoGEF domain containing G2; plus strand). Cytogenetic location: 19q13.2.
Variant type: single nucleotide variant.
Coding change: c.300C>G on transcript NM_022835.3 (MANE Select); coding-DNA position 300, C replaced by G.
Protein change: p.Pro100=; no amino-acid change (proline 100 retained).
Molecular consequence: synonymous variant.
Genome position (GRCh38, 1-based): chr19:39,415,182, C>G. VCF-style: chr19-39415182-C-G. GRCh37 (hg19) VCF-style: chr19-39905822-C-G.
Other names: c.123C>G, p.Pro41= (NM_001351693.2); c.300C>G, p.Pro100= (NM_001351694.2).
Identifiers: ClinVar variation 1542056 (VCV001542056.21), dbSNP rs1424253028, ClinGen allele CA507658158.